The following is an entry in ClinVar:

ClinVar aggregate classification (germline): Uncertain significance (1 of 4 stars; one submission).

Conditions:
PLXNA4-related disorder. Also called: PLXNA4-related condition.

gnomAD v4.1: 1 of 1,614,076 alleles (0.000062%); highest among the groups gnomAD compares: Non-Finnish European, 0.000085%; no homozygotes.

Submission:

PreventionGenetics, part of Exact Sciences
Classification: Uncertain significance for PLXNA4-related condition. Last evaluated: 2026-01-30. Review status: criteria provided, single submitter. Criteria: ACMG Guidelines, 2015. Collection method: clinical testing. Allele origin: germline.
Comment: The PLXNA4 c.5597G>T variant is predicted to result in the amino acid substitution p.Gly1866Val. To our knowledge, this variant has not been reported in the literature or in a large population database (gnomAD), indicating this variant is rare. At this time, the clinical significance of this variant is uncertain due to the absence of conclusive functional and genetic evidence.

NM_020911.2(PLXNA4):c.5597G>T (p.Gly1866Val)

Gene: PLXNA4 (plexin A4; minus strand). Cytogenetic location: 7q32.3.
Variant type: single nucleotide variant.
Coding change: c.5597G>T on transcript NM_020911.2 (MANE Select); coding-DNA position 5597, G replaced by T.
Protein change: p.Gly1866Val; replaces glycine 1866 with valine.
Molecular consequence: missense variant.
Genome position (GRCh38, 1-based): chr7:132,130,567, C>A on the plus strand (G>T on the coding strand, the complement: PLXNA4 is on the minus strand). VCF-style: chr7-132130567-C-A. GRCh37 (hg19) VCF-style: chr7-131815326-C-A.
Other names: c.5597G>T, p.Gly1866Val (NM_001393897.1); short protein forms G1866V.
Identifiers: ClinVar variation 5001283 (VCV005001283.1).